The following is an entry in ClinVar:

NM_002335.4(LRP5):c.4380C>T (p.Ser1460=)

Gene: LRP5 (LDL receptor related protein 5; plus strand). Cytogenetic location: 11q13.2.
Variant type: single nucleotide variant.
Coding change: c.4380C>T on transcript NM_002335.4 (MANE Select); coding-DNA position 4380, C replaced by T.
Protein change: p.Ser1460=; no amino-acid change (serine 1460 retained).
Molecular consequence: synonymous variant.
Genome position (GRCh38, 1-based): chr11:68,439,808, C>T. VCF-style: chr11-68439808-C-T. GRCh37 (hg19) VCF-style: chr11-68207276-C-T.
Other names: p.Ser1460=; c.2637C>T, p.Ser879= (NM_001291902.2).
Identifiers: ClinVar variation 288337 (VCV000288337.49), dbSNP rs11574420, ClinGen allele CA6150342.
Genomic context (GRCh38, chr11:68,439,808, plus strand): 5'-CCTGACCTCCCCCGTCCCTTCCCTGCCAGGCATCGCATGCGGAAAGTCCATGATGAGCTC[C>T]GTGAGCCTGATGGGGGGCCGGGGCGGGGTGCCCCTCTACGACCGGAACCACGTCACAGGG-3'
Protein context (NP_002326.2, residues 1450-1470): GIACGKSMMS[Ser1460=]VSLMGGRGGV

ClinVar aggregate classification (germline): Benign/Likely benign. Review status: criteria provided, multiple submitters, no conflicts (2 of 4 stars). 12 submissions from 12 submitters: Benign (2); Likely benign (6). 4 of the submissions do not count toward it. Last evaluated 2026-04-01.

Conditions:
Osteoporosis. Identifiers: MedGen C0029456, MONDO:0005298, OMIM 166710, HP:0000939.
Exudative vitreoretinopathy 1 (EVR1). Also called: FEVR, AUTOSOMAL DOMINANT; Familial exudative vitreoretinopathy, autosomal dominant; CRISWICK-SCHEPENS SYNDROME. Identifiers: Orphanet 891, Orphanet 90050, MedGen C1851402, MONDO:0007589, OMIM 133780.
Bone mineral density quantitative trait locus 1 (BMND1). Identifiers: MedGen C1866079, OMIM 601884.
Exudative vitreoretinopathy 4 (EVR4). Identifiers: Orphanet 891, MedGen C1866176, MONDO:0011151, OMIM 601813.
Osteoporosis with pseudoglioma (OPPG). Also called: osteoporosis-pseudoglioma syndrome. Identifiers: Orphanet 2788, MedGen C0432252, MONDO:0009820, OMIM 259770.
Worth disease. Also called: Autosomal dominant osteosclerosis, Worth type; ENDOSTEAL HYPEROSTOSIS, AUTOSOMAL DOMINANT; OSTEOSCLEROSIS, AUTOSOMAL DOMINANT. Identifiers: Orphanet 2790, MedGen C0432273, MONDO:0007764, OMIM 144750.
Polycystic liver disease 4 with or without kidney cysts. Identifiers: MedGen C4693479, MONDO:0044327, OMIM 617875.
Autosomal dominant osteopetrosis 1 (OPTA1). Also called: OSTEOPETROSIS, AUTOSOMAL DOMINANT, TYPE I. Identifiers: Orphanet 2783, MedGen C1843330, MONDO:0011877, OMIM 607634.
Osteogenesis imperfecta (OI). Identifiers: Orphanet 666, MedGen C0029434, MeSH D010013, MONDO:0019019.

Allele frequency attached by ClinVar (database versions not stated): 1000 Genomes Project 30x 0.00031; 1000 Genomes Project 0.00040; TOPMed 0.00132; gnomAD 0.00172 and 0.00182; ESP Exome Variant Server 0.00193; gnomAD exomes 0.00232 and 0.00238; ExAC 0.00335.
gnomAD v4.1: 3,643 of 1,611,778 alleles (0.23%); highest among the groups gnomAD compares: Non-Finnish European, 0.25%; 10 homozygotes.

Submissions (12):

CeGaT Center for Human Genetics Tuebingen
Classification: Likely benign. Last evaluated: 2026-04-01. Review status: criteria provided, single submitter. Criteria: CeGaT Center For Human Genetics Tuebingen Variant Classification Criteria Version 2. Collection method: clinical testing. Allele origin: germline. Affected: yes. Observed: 6 variant alleles.
Comment: LRP5: BP4, BP7

Labcorp Genetics (formerly Invitae), Labcorp
Classification: Benign. Last evaluated: 2026-01-26. Review status: criteria provided, single submitter. Criteria: Invitae Variant Classification Sherloc (09022015). Collection method: clinical testing. Allele origin: germline.

Mayo Clinic Laboratories, Mayo Clinic
Classification: Likely benign. Last evaluated: 2025-02-18. Review status: criteria provided, single submitter. Criteria: ACMG Guidelines, 2015. Collection method: clinical testing. Allele origin: germline. Observed: 3 variant alleles.
Comment: BS1, BP4, BP7

Blueprint Genetics
Classification: Likely benign. Last evaluated: 2024-11-14. Review status: criteria provided, single submitter. Criteria: ACMG Guidelines, 2015. Collection method: clinical testing. Allele origin: germline.

Fulgent Genetics
Classification: Likely benign for Exudative vitreoretinopathy 1; Worth disease; Osteoporosis; Osteoporosis with pseudoglioma; Exudative vitreoretinopathy 4; Bone mineral density quantitative trait locus 1; Autosomal dominant osteopetrosis 1; Polycystic liver disease 4 with or without kidney cysts. Last evaluated: 2021-08-05. Review status: criteria provided, single submitter. Criteria: ACMG Guidelines, 2015. Collection method: clinical testing. Allele origin: unknown.

GeneDx
Classification: Likely benign. Last evaluated: 2020-10-11. Review status: criteria provided, single submitter. Criteria: GeneDx Variant Classification Process June 2021. Collection method: clinical testing. Allele origin: germline. Affected: yes.
Comment: This variant is associated with the following publications: (PMID: 15024691)

Genome Diagnostics Laboratory, The Hospital for Sick Children
Classification: Likely benign for Osteogenesis imperfecta. Last evaluated: 2019-06-01. Review status: criteria provided, single submitter. Criteria: ACMG Guidelines, 2015. Collection method: clinical testing. Allele origin: germline.

Eurofins Ntd Llc (ga)
Classification: Benign. Last evaluated: 2016-06-19. Review status: criteria provided, single submitter. Criteria: EGL Classification Definitions 2015. Collection method: clinical testing. Allele origin: germline. Observed: 2 variant alleles, 2 heterozygotes.

Clinical Genetics DNA and cytogenetics Diagnostics Lab, Erasmus MC, Erasmus Medical Center
Classification: Likely benign. Review status: no assertion criteria provided. Collection method: clinical testing. Allele origin: germline. Affected: yes. Study: VKGL Data-share Consensus. Not counted in ClinVar's aggregate classification.

Clinical Genetics, Academic Medical Center
Classification: Benign. Review status: no assertion criteria provided. Collection method: clinical testing. Allele origin: germline. Affected: yes. Study: VKGL Data-share Consensus. Not counted in ClinVar's aggregate classification.

Genome Diagnostics Laboratory, Amsterdam University Medical Center
Classification: Likely benign. Review status: no assertion criteria provided. Collection method: clinical testing. Allele origin: germline. Affected: yes. Study: VKGL Data-share Consensus. Not counted in ClinVar's aggregate classification.

Genome Diagnostics Laboratory, University Medical Center Utrecht
Classification: Likely benign. Review status: no assertion criteria provided. Collection method: clinical testing. Allele origin: germline. Affected: yes. Study: VKGL Data-share Consensus. Not counted in ClinVar's aggregate classification.

Literature cited by the submitters: PubMed 15024691 (cited by Eurofins Ntd Llc (ga)).